The following is an entry in ClinVar:

ClinVar aggregate classification (germline): Conflicting classifications of pathogenicity. Review status: criteria provided, conflicting classifications (1 of 4 stars). 4 submissions from 3 submitters: Uncertain significance (2); Likely benign (2). Last evaluated 2024-05-01.

Conditions:
Sialuria. Also called: SIALURIA, FRENCH TYPE; Sialic Acid Storage Disease. Identifiers: Orphanet 3166, MedGen C0342853, MONDO:0010028, OMIM 269921.
GNE myopathy (NM). Also called: NONAKA DISTAL MYOPATHY; IBM 2; Inclusion body myopathy autosomal recessive; Inclusion body myopathy quadriceps sparing; MYOPATHY, DISTAL, WITH OR WITHOUT RIMMED VACUOLES; INCLUSION BODY MYOPATHY 2, AUTOSOMAL RECESSIVE. Identifiers: Orphanet 602, MedGen C1853926, MONDO:0011603, OMIM 605820.

Allele frequency attached by ClinVar (database versions not stated): gnomAD exomes below 0.00001; TOPMed 0.00001.
gnomAD v4.1: 2 of 1,614,200 alleles (0.00012%); highest among the groups gnomAD compares: Non-Finnish European, 0.00017%; no homozygotes.

Submissions (4):

CeGaT Center for Human Genetics Tuebingen
Classification: Likely benign. Last evaluated: 2024-05-01. Review status: criteria provided, single submitter. Criteria: CeGaT Center For Human Genetics Tuebingen Variant Classification Criteria Version 2. Collection method: clinical testing. Allele origin: germline. Affected: yes. Observed: 1 variant allele.
Comment: GNE: BP4, BP7

Labcorp Genetics (formerly Invitae), Labcorp
Classification: Likely benign for Sialuria; GNE myopathy. Last evaluated: 2022-10-07. Review status: criteria provided, single submitter. Criteria: Invitae Variant Classification Sherloc (09022015). Collection method: clinical testing. Allele origin: germline.

Illumina Laboratory Services, Illumina
Classification: Uncertain significance for Sialuria. Last evaluated: 2018-01-12. Review status: criteria provided, single submitter. Criteria: ICSL Variant Classification Criteria 13 December 2019. Collection method: clinical testing. Allele origin: germline.

Illumina Laboratory Services, Illumina
Classification: Uncertain significance for GNE myopathy. Last evaluated: 2018-01-12. Review status: criteria provided, single submitter. Criteria: ICSL Variant Classification Criteria 13 December 2019. Collection method: clinical testing. Allele origin: germline.

NM_005476.7(GNE):c.1482G>A (p.Glu494=)

Gene: GNE (glucosamine (UDP-N-acetyl)-2-epimerase/N-acetylmannosamine kinase; minus strand). Cytogenetic location: 9p13.3.
Variant type: single nucleotide variant.
Coding change: c.1482G>A on transcript NM_005476.7 (MANE Select); coding-DNA position 1482, G replaced by A.
Protein change: p.Glu494=; no amino-acid change (glutamic acid 494 retained).
Molecular consequence: synonymous variant. On other transcripts: intron variant (1).
Genome position (GRCh38, 1-based): chr9:36,222,928, C>T on the plus strand (G>A on the coding strand, the complement: GNE is on the minus strand). VCF-style: chr9-36222928-C-T. GRCh37 (hg19) VCF-style: chr9-36222925-C-T.
Other names: c.1575G>A, p.Glu525= (NM_001128227.3); c.1152G>A, p.Glu384= (NM_001190384.3); c.1305G>A, p.Glu435= (NM_001190388.2, NM_001374798.1); c.1329G>A, p.Glu443= (NM_001374797.1); c.1411+445G>A (NM_001190383.3).
Identifiers: ClinVar variation 913931 (VCV000913931.27), dbSNP rs1485580233, ClinGen allele CA464495243.
Genomic context (GRCh38, chr9:36,222,928, plus strand): 5'-TACCCACACAGGGAGATGCAAAGTGTCAGAAAGGGGGGTCCTAAGGTCCACAGAGTTCCA[C>T]TCTTGGATCAGTTTGGTTGAATGCAGCACAATTCCTTCCCGAGGATTTACACGGCCACCT-3'
Protein context (NP_005467.1, residues 484-504): IVLHSTKLIQ[Glu494=]WNSVDLRTPL